The following is an entry in ClinVar:

ClinVar aggregate classification (germline): Benign/Likely benign. Review status: criteria provided, multiple submitters, no conflicts (2 of 4 stars). 2 submissions from 2 submitters: Benign (1); Likely benign (1). Last evaluated 2025-08-14.

Conditions:
Tuberous sclerosis 1 (TSC1). Identifiers: Orphanet 805, MedGen C1854465, MONDO:0008612, OMIM 191100.

gnomAD v4.1: 15 of 1,613,666 alleles (0.00093%); highest among the groups gnomAD compares: South Asian, 0.016%; no homozygotes.

Submissions (2):

Labcorp Genetics (formerly Invitae), Labcorp
Classification: Likely benign for Tuberous sclerosis 1. Last evaluated: 2025-08-14. Review status: criteria provided, single submitter. Criteria: Invitae Variant Classification Sherloc (09022015). Collection method: clinical testing. Allele origin: germline.

Myriad Genetics, Inc.
Classification: Benign for Tuberous sclerosis 1. Last evaluated: 2025-04-25. Review status: criteria provided, single submitter. Criteria: Myriad Autosomal Dominant, Autosomal Recessive and X-Linked Classification Criteria (2023). Collection method: clinical testing. Allele origin: unknown.
Comment: This variant is considered benign. This variant is intronic and is not expected to impact mRNA splicing. This variant has been observed at a population frequency that is significantly greater than expected given the associated disease prevalence and penetrance.

NM_000368.5(TSC1):c.2503-15A>T

Gene: TSC1 (TSC complex subunit 1; minus strand). Cytogenetic location: 9q34.13.
Variant type: single nucleotide variant.
Coding change: c.2503-15A>T on transcript NM_000368.5 (MANE Select); 15 bases into the intron before coding-DNA position 2503, A replaced by T.
Molecular consequence: intron variant.
Genome position (GRCh38, 1-based): chr9:132,900,852, T>A on the plus strand (A>T on the coding strand, the complement: TSC1 is on the minus strand). VCF-style: chr9-132900852-T-A. GRCh37 (hg19) VCF-style: chr9-135776239-T-A.
Other names: c.2140-15A>T (NM_001406619.1, NM_001362177.2, NM_001406614.1 and 4 more transcripts); c.2500-15A>T (NM_001406598.1, NM_001162426.2, NM_001406599.1 and 2 more transcripts); c.2461-15A>T (NM_001406607.1, NM_001406605.1, NM_001406606.1); c.2503-15A>T (NM_001406593.1, NM_001406596.1, NM_001406594.1 and 2 more transcripts); c.2137-15A>T (NM_001406622.1, NM_001406623.1, NM_001406621.1 and 1 more transcripts); c.2347-15A>T (NM_001406611.1, NM_001406612.1); c.2350-15A>T (NM_001162427.2, NM_001406610.1); c.1549-15A>T (NM_001406628.1, NM_001406627.1); and 8 more.
Identifiers: ClinVar variation 3651411 (VCV003651411.3).